The following is an entry in ClinVar:

ClinVar aggregate classification (germline): Uncertain significance. Review status: criteria provided, multiple submitters, no conflicts (2 of 4 stars). 2 submissions from 2 submitters: Uncertain significance (2). Last evaluated 2024-04-05.

Conditions:
Hereditary nonpolyposis colorectal neoplasms. Identifiers: MedGen C0009405, MeSH D003123.
Hereditary cancer-predisposing syndrome. Also called: Neoplastic Syndromes, Hereditary; Hereditary Cancer Syndrome; Tumor predisposition; Hereditary neoplastic syndrome. Identifiers: Orphanet 140162, MedGen C0027672, MeSH D009386, MONDO:0015356.

Allele frequency attached by ClinVar (database versions not stated): gnomAD 0.00001; gnomAD exomes 0.00002.
gnomAD v4.1: 11 of 1,613,136 alleles (0.00068%); highest among the groups gnomAD compares: South Asian, 0.011%; no homozygotes.

Submissions (2):

Ambry Genetics
Classification: Uncertain significance for Hereditary cancer-predisposing syndrome. Last evaluated: 2024-04-05. Review status: criteria provided, single submitter. Criteria: Ambry Variant Classification Scheme 2023. Collection method: clinical testing. Allele origin: germline.
Comment: The p.N371D variant (also known as c.1111A>G), located in coding exon 10 of the PMS2 gene, results from an A to G substitution at nucleotide position 1111. The asparagine at codon 371 is replaced by aspartic acid, an amino acid with highly similar properties. This amino acid position is conserved. In addition, this alteration is predicted to be tolerated by in silico analysis. Based on the available evidence, the clinical significance of this variant remains unclear.

Labcorp Genetics (formerly Invitae), Labcorp
Classification: Uncertain significance for Hereditary nonpolyposis colorectal neoplasms. Last evaluated: 2024-02-07. Review status: criteria provided, single submitter. Criteria: Invitae Variant Classification Sherloc (09022015). Collection method: clinical testing. Allele origin: germline.
Comment: This sequence change replaces asparagine, which is neutral and polar, with aspartic acid, which is acidic and polar, at codon 371 of the PMS2 protein (p.Asn371Asp). This variant is present in population databases (no rsID available, gnomAD 0.02%). This variant has not been reported in the literature in individuals affected with PMS2-related conditions. ClinVar contains an entry for this variant (Variation ID: 1472619). Advanced modeling of protein sequence and biophysical properties (such as structural, functional, and spatial information, amino acid conservation, physicochemical variation, residue mobility, and thermodynamic stability) performed at Invitae indicates that this missense variant is not expected to disrupt PMS2 protein function with a negative predictive value of 80%. In summary, the available evidence is currently insufficient to determine the role of this variant in disease. Therefore, it has been classified as a Variant of Uncertain Significance.

NM_000535.7(PMS2):c.1111A>G (p.Asn371Asp)

Gene: PMS2 (PMS1 homolog 2, mismatch repair system component; minus strand). Cytogenetic location: 7p22.1.
Variant type: single nucleotide variant.
Coding change: c.1111A>G on transcript NM_000535.7 (MANE Select); coding-DNA position 1111, A replaced by G.
Protein change: p.Asn371Asp; replaces asparagine 371 with aspartic acid.
Molecular consequence: missense variant. On other transcripts: non-coding transcript variant (1), intron variant (2).
Genome position (GRCh38, 1-based): chr7:5,989,833, T>C on the plus strand (A>G on the coding strand, the complement: PMS2 is on the minus strand). VCF-style: chr7-5989833-T-C. GRCh37 (hg19) VCF-style: chr7-6029464-T-C.
Other names: c.706A>G, p.Asn236Asp (NM_001322003.2, NM_001322004.2, NM_001322005.2 and 1 more transcripts); c.793A>G, p.Asn265Asp (NM_001322007.2, NM_001322008.2); c.178A>G, p.Asn60Asp (NM_001322011.2, NM_001322012.2); c.538A>G, p.Asn180Asp (NM_001322013.2); c.1111A>G, p.Asn371Asp (NM_001322014.2); c.802A>G, p.Asn268Asp (NM_001322015.2); c.583+2140A>G (NM_001322010.2); c.988+2140A>G (NM_001322006.2); and 1 more; short protein forms N60D, N236D, N371D, N180D, N265D, N268D.
Identifiers: ClinVar variation 1472619 (VCV001472619.9), dbSNP rs1217473969, ClinGen allele CA366742785.